The following is an entry in ClinVar:

ClinVar aggregate classification (germline): Pathogenic (1 of 4 stars; one submission).

Conditions:
Inborn genetic diseases. Identifiers: MedGen C0950123, MeSH D030342.

Submission:

Ambry Genetics
Classification: Pathogenic for Inborn genetic diseases. Last evaluated: 2022-07-24. Review status: criteria provided, single submitter. Criteria: Ambry Variant Classification Scheme 2023. Collection method: clinical testing. Allele origin: germline.
Comment: The c.1301_1307dupCCTCACC (p.R437Lfs*115) alteration, located in exon 14 (coding exon 14) of the BRSK2 gene, consists of a duplication of CCTCACC at position 1301, causing a translational frameshift with a predicted alternate stop codon after 115 amino acids. This alteration is expected to result in loss of function by premature protein truncation or nonsense-mediated mRNA decay. This variant was not reported in population-based cohorts in the Genome Aggregation Database (gnomAD). Based on the available evidence, this alteration is classified as pathogenic.

NM_001256627.2(BRSK2):c.1301_1307dup (p.Arg437fs)

Gene: BRSK2 (BR serine/threonine kinase 2; plus strand). Cytogenetic location: 11p15.5.
Variant type: Microsatellite.
Coding change: c.1301_1307dup on transcript NM_001256627.2 (MANE Select); coding-DNA positions 1301 to 1307, 7 bases duplicated (CCTCACC; older notation c.1301_1307dupCCTCACC).
Protein change: p.Arg437fs; shifts the reading frame from arginine 437.
Molecular consequence: frameshift variant. On other transcripts: non-coding transcript variant (1).
Genome position (GRCh38, 1-based): chr11:1,450,600-1,450,606, CCTCACC duplicated; duplicating any 7 consecutive bases within chr11:1,450,590-1,450,606 gives the same sequence; the c. name uses the placement nearest the transcript's 3' end. VCF-style (leftmost placement, unchanged base first): chr11-1450589-G-GACCCCTC. GRCh37 (hg19) VCF-style: chr11-1471819-G-GACCCCTC.
Other names: c.1301_1307dup, p.Arg437fs (NM_001256629.2, NM_003957.4); c.1439_1445dup, p.Arg483fs (NM_001256630.1); c.1121_1127dup, p.Arg377fs (NM_001282218.2); short protein forms R377fs, R437fs, R483fs.
Identifiers: ClinVar variation 2299730 (VCV002299730.2), dbSNP rs1193156869, ClinGen allele CA2580616894.